The following is an entry in ClinVar:

ClinVar aggregate classification (germline): Uncertain significance (1 of 4 stars; one submission).

gnomAD v4.1: 4 of 1,613,998 alleles (0.00025%); highest among the groups gnomAD compares: Admixed American, 0.005%; no homozygotes.

Submission:

Labcorp Genetics (formerly Invitae), Labcorp
Classification: Uncertain significance. Last evaluated: 2025-11-04. Review status: criteria provided, single submitter. Criteria: Invitae Variant Classification Sherloc (09022015). Collection method: clinical testing. Allele origin: germline.
Comment: This sequence change replaces asparagine, which is neutral and polar, with serine, which is neutral and polar, at codon 725 of the DLC1 protein (p.Asn725Ser). This variant is present in population databases (no rsID available, gnomAD 0.009%). This variant has not been reported in the literature in individuals affected with DLC1-related conditions. An algorithm developed to predict the effect of missense changes on protein structure and function outputs the following: PolyPhen-2: "Benign". The serine amino acid residue is found in multiple mammalian species, which suggests that this missense change does not adversely affect protein function. In summary, the available evidence is currently insufficient to determine the role of this variant in disease. Therefore, it has been classified as a Variant of Uncertain Significance.

NM_182643.3(DLC1):c.2174A>G (p.Asn725Ser)

Gene: DLC1 (DLC1 Rho GTPase activating protein; minus strand). Cytogenetic location: 8p22.
Variant type: single nucleotide variant.
Coding change: c.2174A>G on transcript NM_182643.3 (MANE Select); coding-DNA position 2174, A replaced by G.
Protein change: p.Asn725Ser; replaces asparagine 725 with serine.
Molecular consequence: missense variant.
Genome position (GRCh38, 1-based): chr8:13,100,163, T>C on the plus strand (A>G on the coding strand, the complement: DLC1 is on the minus strand). VCF-style: chr8-13100163-T-C. GRCh37 (hg19) VCF-style: chr8-12957672-T-C.
Other names: c.641A>G, p.Asn214Ser (NM_001164271.2, NM_001348082.2, NM_001348083.1 and 6 more transcripts); c.965A>G, p.Asn322Ser (NM_001316668.2, NM_001413129.1); c.2174A>G, p.Asn725Ser (NM_001348081.2, NM_001413124.1); c.956A>G, p.Asn319Ser (NM_001413130.1); c.614A>G, p.Asn205Ser (NM_001413131.1, NM_001413137.1); c.1100A>G, p.Asn367Ser (NM_001413132.1); c.863A>G, p.Asn288Ser (NM_001413135.1, NM_001413136.1, NM_001413139.1 and 1 more transcripts); c.998A>G, p.Asn333Ser (NM_001413140.1); short protein forms N288S, N367S, N333S, N725S, N319S, N205S, N214S, N322S.
Identifiers: ClinVar variation 4760445 (VCV004760445.1).